The following is an entry in ClinVar:

ClinVar aggregate classification (germline): Likely pathogenic (1 of 4 stars; one submission).

Conditions:
MHC class II deficiency. Also called: BLS, TYPE II; Bare lymphocyte syndrome 2. Identifiers: Orphanet 572, MedGen C5447452, MONDO:0008855.

Submission:

Natera, Inc.
Classification: Likely pathogenic for Bare lymphocyte syndrome type II. Last evaluated: 2024-04-17. Review status: criteria provided, single submitter. Criteria: Natera Variant Classification Schema (03/2026). Collection method: clinical testing. Allele origin: germline.
Comment: The c.347delA variant in CIITA is a frameshift variant predicted to shift the reading frame beginning at codon 116 and leads to a stop codon 7 codons downstream. This variant is expected to result in nonsense mediated decay, truncation, or a dysfunctional protein product. This variant is rare in the general population with a frequency below the threshold expected for the associated phenotype(s). Given the available evidence, this variant is classified as Likely Pathogenic.

NM_000246.4(CIITA):c.347del (p.Lys116fs)

Gene: CIITA (class II major histocompatibility complex transactivator; plus strand). Cytogenetic location: 16p13.13.
Variant type: Deletion.
Coding change: c.347del on transcript NM_000246.4 (MANE Select); coding-DNA position 347, one base deleted (A; older notation c.347delA).
Protein change: p.Lys116fs; shifts the reading frame from lysine 116.
Molecular consequence: frameshift variant. On other transcripts: non-coding transcript variant (1).
Genome position (GRCh38, 1-based): chr16:10,898,721, A deleted; the last of 2 consecutive A bases (chr16:10,898,720-10,898,721); deleting either gives the same sequence. VCF-style (leftmost placement, unchanged base first): chr16-10898719-CA-C. GRCh37 (hg19) VCF-style: chr16-10992576-CA-C.
Other names: c.347del, p.Lys116fs (NM_001286402.1, NM_001286403.2, NM_001379330.1 and 3 more transcripts); c.275del, p.Lys92fs (NM_001379334.1); short protein forms K116fs, K92fs.
Identifiers: ClinVar variation 4817980 (VCV004817980.1).
Genomic context (GRCh38, chr16:10,898,719, plus strand): 5'-TGTCTGGGCAGCGGAACTGGACCAGTATGTCTTCCAGGACTCCCAGCTGGAGGGCCTGAG[CA>C]AGGACATTTTCAGTAAGTTTGTGGTGGGTGGGGAGGTCTTGGCTCAGCCTGCATTTCCTG-3'